The following is an entry in ClinVar:

NM_001289125.3(IFNAR2):c.128T>C (p.Ile43Thr)

Genes: IFNAR2 (interferon alpha and beta receptor subunit 2; plus strand), IFNAR2-IL10RB (IFNAR2-IL10RB readthrough; plus strand). Cytogenetic location: 21q22.11.
Variant type: single nucleotide variant.
Coding change: c.128T>C on transcript NM_001289125.3 (MANE Select); coding-DNA position 128, T replaced by C.
Protein change: p.Ile43Thr; replaces isoleucine 43 with threonine.
Molecular consequence: missense variant.
Genome position (GRCh38, 1-based): chr21:33,244,981, T>C. VCF-style: chr21-33244981-T-C. GRCh37 (hg19) VCF-style: chr21-34617286-T-C.
Other names: c.128T>C, p.Ile43Thr (NM_001414505.1, NM_000874.5, NM_001289126.2 and 5 more transcripts); short protein forms I43T.
Identifiers: ClinVar variation 2033549 (VCV002033549.4), dbSNP rs2516705053, ClinGen allele CA410095510.

ClinVar aggregate classification (germline): Uncertain significance (1 of 4 stars; one submission).

Allele frequency attached by ClinVar (database versions not stated): gnomAD exomes 0.00001.
gnomAD v4.1: 20 of 1,613,368 alleles (0.0012%); highest among the groups gnomAD compares: Non-Finnish European, 0.0017%; no homozygotes.

Submission:

Labcorp Genetics (formerly Invitae), Labcorp
Classification: Uncertain significance. Last evaluated: 2022-08-19. Review status: criteria provided, single submitter. Criteria: Invitae Variant Classification Sherloc (09022015). Collection method: clinical testing. Allele origin: germline.
Comment: In summary, the available evidence is currently insufficient to determine the role of this variant in disease. Therefore, it has been classified as a Variant of Uncertain Significance. Algorithms developed to predict the effect of missense changes on protein structure and function (SIFT, PolyPhen-2, Align-GVGD) all suggest that this variant is likely to be disruptive. This variant has not been reported in the literature in individuals affected with IFNAR2-related conditions. This variant is not present in population databases (gnomAD no frequency). This sequence change replaces isoleucine, which is neutral and non-polar, with threonine, which is neutral and polar, at codon 43 of the IFNAR2 protein (p.Ile43Thr).